The following is an entry in ClinVar:

NM_021224.6(ZNF462):c.7230T>C (p.Thr2410=)

Genes: ZNF462 (zinc finger protein 462; plus strand), LOC340512 (uncharacterized LOC340512; minus strand). Cytogenetic location: 9q31.2.
Variant type: single nucleotide variant.
Coding change: c.7230T>C on transcript NM_021224.6 (MANE Select); coding-DNA position 7230, T replaced by C.
Protein change: p.Thr2410=; no amino-acid change (threonine 2410 retained).
Molecular consequence: synonymous variant.
Genome position (GRCh38, 1-based): chr9:107,009,585, T>C. VCF-style: chr9-107009585-T-C. GRCh37 (hg19) VCF-style: chr9-109771866-T-C.
Other names: c.4635T>C, p.Thr1545= (NM_001347997.2).
Identifiers: ClinVar variation 3048690 (VCV003048690.2), dbSNP rs151330426, ClinGen allele CA5172453.
Genomic context (GRCh38, chr9:107,009,585, plus strand): 5'-CTTCTGCTTTCTCTTTGCAGAGCTGATGAGATTTTCTGACCACGGGGCTGCTCTTAACAC[T>C]GAGAAGCGTTTTCCATGTGAATTTTGTGGACGGGCGTTTTCACAGGGCTCTGAGTGGGAA-3'
Protein context (NP_067047.4, residues 2400-2420): RFSDHGAALN[Thr2410=]EKRFPCEFCG

ClinVar aggregate classification (germline): Likely benign (0 of 4 stars; one submission).

Conditions:
ZNF462-related disorder. Also called: ZNF462 related disease; ZNF462-related condition.

Allele frequency attached by ClinVar (database versions not stated): gnomAD exomes 0.00009; ExAC 0.00022; gnomAD 0.00070; TOPMed 0.00088; ESP Exome Variant Server 0.00092.
gnomAD v4.1: 231 of 1,613,412 alleles (0.014%); highest among the groups gnomAD compares: African/African-American, 0.29%; 1 homozygote.

Submission:

PreventionGenetics, part of Exact Sciences
Classification: Likely benign for ZNF462-related condition. Last evaluated: 2019-03-25. Review status: no assertion criteria provided. Collection method: clinical testing. Allele origin: germline.
Comment: This variant is classified as likely benign based on ACMG/AMP sequence variant interpretation guidelines (Richards et al. 2015 PMID: 25741868, with internal and published modifications).